The following is an entry in ClinVar:

NM_022787.4(NMNAT1):c.661dup (p.Ile221fs)

Gene: NMNAT1 (nicotinamide nucleotide adenylyltransferase 1; plus strand). Cytogenetic location: 1p36.22.
Variant type: Duplication.
Coding change: c.661dup on transcript NM_022787.4 (MANE Select); coding-DNA position 661, one base duplicated (A; older notation c.661dupA).
Protein change: p.Ile221fs; shifts the reading frame from isoleucine 221.
Molecular consequence: frameshift variant.
Genome position (GRCh38, 1-based): chr1:9,982,522, A duplicated. VCF-style (leftmost placement, unchanged base first): chr1-9982521-C-CA. GRCh37 (hg19) VCF-style: chr1-10042579-C-CA.
Other names: c.661dup, p.Ile221fs (NM_001297778.1); c.661dupA (NM_022787.3); c.661dup (NM_022787.3); short protein forms I221fs.
Identifiers: ClinVar variation 438134 (VCV000438134.3), dbSNP rs775978677, ClinGen allele CA579304.

ClinVar aggregate classification (germline): Pathogenic/Likely pathogenic. Review status: criteria provided, multiple submitters, no conflicts (2 of 4 stars). 3 submissions from 3 submitters: Pathogenic (1); Likely pathogenic (1). 1 of the submissions does not count toward it. Last evaluated 2024-10-03.

Conditions:
NMNAT1-related disorder. Also called: NMNAT1-related condition.
Leber congenital amaurosis (LCA). Also called: Leber's amaurosis. Identifiers: Orphanet 65, MedGen C0339527, MeSH D057130, MONDO:0018998.

Allele frequency attached by ClinVar (database versions not stated): gnomAD exomes below 0.00001 and 0.00002; TOPMed below 0.00001; ExAC 0.00001; gnomAD 0.00001.

Submissions (3):

GeneDx
Classification: Likely pathogenic. Last evaluated: 2024-10-03. Review status: criteria provided, single submitter. Criteria: GeneDx Variant Classification Process June 2021. Collection method: clinical testing. Allele origin: germline. Affected: yes.
Comment: Frameshift variant predicted to result in abnormal protein length as the last 59 amino acids are replaced with 28 different amino acids, and other similar variants have been reported in HGMD; Not observed at significant frequency in large population cohorts (gnomAD); This variant is associated with the following publications: (PMID: 38219857, 32581362, 31964843, 28041643)

Blueprint Genetics
Classification: Pathogenic for NMNAT1-related disorders. Last evaluated: 2024-02-05. Review status: criteria provided, single submitter. Criteria: ACMG Guidelines, 2015. Collection method: clinical testing. Allele origin: germline. Affected: yes. Observed: 4 variant alleles.

NIHR Bioresource Rare Diseases, University of Cambridge
Classification: Likely pathogenic for Leber congenital amaurosis. Last evaluated: 2015-01-01. Review status: no assertion criteria provided. Collection method: research. Allele origin: unknown. Affected: yes. Observed: 1 variant allele. Not counted in ClinVar's aggregate classification.

Literature cited by the submitters: PubMed 28041643 (cited by NIHR Bioresource Rare Diseases, University of Cambridge).